The following is an entry in ClinVar:

NM_182914.3(SYNE2):c.20115C>G (p.Asn6705Lys)

Gene: SYNE2 (spectrin repeat containing nuclear envelope protein 2; plus strand). Cytogenetic location: 14q23.2.
Variant type: single nucleotide variant.
Coding change: c.20115C>G on transcript NM_182914.3 (MANE Select); coding-DNA position 20115, C replaced by G.
Protein change: p.Asn6705Lys; replaces asparagine 6705 with lysine.
Molecular consequence: missense variant.
Genome position (GRCh38, 1-based): chr14:64,221,629, C>G. VCF-style: chr14-64221629-C-G. GRCh37 (hg19) VCF-style: chr14-64688347-C-G.
Other names: c.20046C>G, p.Asn6682Lys (NM_015180.6); c.1059C>G, p.Asn353Lys (NM_182913.4); c.681C>G, p.Asn227Lys (NM_182910.2); short protein forms N227K, N353K, N6705K, N6682K.
Identifiers: ClinVar variation 805597 (VCV000805597.12), dbSNP rs199800249, ClinGen allele CA7224725.

ClinVar aggregate classification (germline): Uncertain significance. Review status: criteria provided, multiple submitters, no conflicts (2 of 4 stars). 3 submissions from 3 submitters: Uncertain significance (3). Last evaluated 2025-11-11.

Conditions:
Emery-Dreifuss muscular dystrophy 5, autosomal dominant (EDMD5). Also called: EMERY-DREIFUSS MUSCULAR DYSTROPHY 5. Identifiers: Orphanet 261, MedGen C2751805, MONDO:0013072, OMIM 612999.

Allele frequency attached by ClinVar (database versions not stated): gnomAD 0.00001 and 0.00002; TOPMed 0.00002; ESP Exome Variant Server 0.00008; gnomAD exomes 0.00008; ExAC 0.00011; 1000 Genomes Project 30x 0.00016; 1000 Genomes Project 0.00020.
gnomAD v4.1: 81 of 1,614,124 alleles (0.005%); highest among the groups gnomAD compares: South Asian, 0.048%; no homozygotes.

Submissions (3):

Ambry Genetics
Classification: Uncertain significance. Last evaluated: 2025-11-11. Review status: criteria provided, single submitter. Criteria: Ambry Variant Classification Scheme 2023. Collection method: clinical testing. Allele origin: germline.

Labcorp Genetics (formerly Invitae), Labcorp
Classification: Uncertain significance for Emery-Dreifuss muscular dystrophy 5, autosomal dominant. Last evaluated: 2025-08-12. Review status: criteria provided, single submitter. Criteria: Invitae Variant Classification Sherloc (09022015). Collection method: clinical testing. Allele origin: germline.
Comment: This sequence change replaces asparagine, which is neutral and polar, with lysine, which is basic and polar, at codon 6705 of the SYNE2 protein (p.Asn6705Lys). This variant is present in population databases (rs199800249, gnomAD 0.04%), and has an allele count higher than expected for a pathogenic variant. This variant has not been reported in the literature in individuals affected with SYNE2-related conditions. ClinVar contains an entry for this variant (Variation ID: 805597). An algorithm developed to predict the effect of missense changes on protein structure and function (PolyPhen-2) suggests that this variant is likely to be tolerated. In summary, the available evidence is currently insufficient to determine the role of this variant in disease. Therefore, it has been classified as a Variant of Uncertain Significance.

Athena Diagnostics
Classification: Uncertain significance. Last evaluated: 2019-04-26. Review status: criteria provided, single submitter. Criteria: Athena Diagnostics Criteria. Collection method: clinical testing. Allele origin: germline.